The following is an entry in ClinVar:

ClinVar aggregate classification (germline): Benign/Likely benign. Review status: criteria provided, multiple submitters, no conflicts (2 of 4 stars). 6 submissions from 6 submitters: Benign (2); Likely benign (4). Last evaluated 2026-02-01.

Conditions:
Joubert syndrome 21 (JBTS21). Identifiers: MedGen C3810212, MONDO:0014288, OMIM 615636.

Allele frequency attached by ClinVar (database versions not stated): ESP Exome Variant Server 0.00025; gnomAD exomes 0.00051 and 0.00096; 1000 Genomes Project 30x 0.00062; ExAC 0.00069; TOPMed 0.00078; 1000 Genomes Project 0.00080; gnomAD 0.00080 and 0.00082.
gnomAD v4.1: 913 of 1,578,250 alleles (0.058%); highest among the groups gnomAD compares: Middle Eastern, 0.5%; 3 homozygotes.

Submissions (7):

Labcorp Genetics (formerly Invitae), Labcorp
Classification: Benign for Joubert syndrome 21. Last evaluated: 2026-02-01. Review status: criteria provided, single submitter. Criteria: Invitae Variant Classification Sherloc (09022015). Collection method: clinical testing. Allele origin: germline.

Genomic Medicine Center of Excellence, King Faisal Specialist Hospital and Research Centre
Classification: Likely benign. Last evaluated: 2025-08-18. Review status: criteria provided, single submitter. Criteria: ACMG Guidelines, 2015. Collection method: clinical testing. Allele origin: germline.

Blueprint Genetics
Classification: Likely benign. Last evaluated: 2024-11-22. Review status: criteria provided, single submitter. Criteria: ACMG Guidelines, 2015. Collection method: clinical testing. Allele origin: germline.

Dubai Health Genomic Medicine Center, Dubai Health
Classification: Benign for Joubert syndrome 21. Last evaluated: 2020-03-25. Review status: criteria provided, single submitter. Criteria: ACMG Guidelines, 2015. Collection method: clinical testing. Allele origin: germline. Affected: yes.

GeneDx
Classification: Likely benign. Last evaluated: 2016-12-13. Review status: criteria provided, single submitter. Criteria: GeneDx Variant Classification (06012015). Collection method: clinical testing. Allele origin: germline. Affected: yes.
Comment: This variant is considered likely benign or benign based on one or more of the following criteria: it is a conservative change, it occurs at a poorly conserved position in the protein, it is predicted to be benign by multiple in silico algorithms, and/or has population frequency not consistent with disease.

Breakthrough Genomics
Classification: Likely benign. Review status: criteria provided, single submitter. Criteria: ACMG Guidelines, 2015. Collection method: not provided. Allele origin: germline. Inheritance: Autosomal recessive inheritance. Affected: yes.

Dr. Peter K. Rogan Lab, Western University
No classification provided (evidence only). Condition: Familial pancreatic carcinoma. Review status: no classification provided. Collection method: in vitro. Allele origin: not applicable. Functional consequence: retained intron. Not counted in ClinVar's aggregate classification.

NM_001382391.1(CSPP1):c.2539-12T>A

Gene: CSPP1 (centrosome and spindle pole associated protein 1; plus strand). Cytogenetic location: 8q13.2.
Variant type: single nucleotide variant.
Coding change: c.2539-12T>A on transcript NM_001382391.1 (MANE Select); 12 bases into the intron before coding-DNA position 2539, T replaced by A.
Molecular consequence: intron variant.
Genome position (GRCh38, 1-based): chr8:67,161,799, T>A. VCF-style: chr8-67161799-T-A. GRCh37 (hg19) VCF-style: chr8-68074034-T-A.
Other names: c.2344-12T>A (NM_001363132.2); c.2458-12T>A (NM_001363131.2); c.2263-12T>A (NM_001363133.2); c.2605-12T>A (NM_001364869.1); c.2524-12T>A (NM_024790.7, NM_001438331.1); c.2371-12T>A (NM_001438330.1); c.2425-12T>A (NM_001364870.1); c.1840-12T>A (NM_001438332.1); and 1 more.
Identifiers: ClinVar variation 380477 (VCV000380477.16), dbSNP rs185726462, ClinGen allele CA4770871.